The following is an entry in ClinVar:

NM_000535.7(PMS2):c.2414A>G (p.Gln805Arg)

Gene: PMS2 (PMS1 homolog 2, mismatch repair system component; minus strand). Cytogenetic location: 7p22.1.
Variant type: single nucleotide variant.
Coding change: c.2414A>G on transcript NM_000535.7 (MANE Select); coding-DNA position 2414, A replaced by G.
Protein change: p.Gln805Arg; replaces glutamine 805 with arginine.
Molecular consequence: missense variant. On other transcripts: non-coding transcript variant (1).
Genome position (GRCh38, 1-based): chr7:5,977,619, T>C on the plus strand (A>G on the coding strand, the complement: PMS2 is on the minus strand). VCF-style: chr7-5977619-T-C. GRCh37 (hg19) VCF-style: chr7-6017250-T-C.
Other names: c.2009A>G, p.Gln670Arg (NM_001322003.2, NM_001322004.2, NM_001322005.2); c.2258A>G, p.Gln753Arg (NM_001322006.2); c.2096A>G, p.Gln699Arg (NM_001322007.2, NM_001322008.2); c.2042A>G, p.Gln681Arg (NM_001322009.2); c.1853A>G, p.Gln618Arg (NM_001322010.2); c.1481A>G, p.Gln494Arg (NM_001322011.2, NM_001322012.2); c.1841A>G, p.Gln614Arg (NM_001322013.2); c.2447A>G, p.Gln816Arg (NM_001322014.2); and 1 more; short protein forms Q805R, Q614R, Q816R, Q494R, Q618R, Q681R, Q699R, Q753R.
Identifiers: ClinVar variation 525796 (VCV000525796.21), dbSNP rs967502389, ClinGen allele CA153220111.

ClinVar aggregate classification (germline): Uncertain significance. Review status: criteria provided, multiple submitters, no conflicts (2 of 4 stars). 6 submissions from 6 submitters: Uncertain significance (6). Last evaluated 2026-03-13.

Conditions:
PMS2-related disorder. Also called: PMS2-related condition.
Hereditary nonpolyposis colorectal neoplasms. Identifiers: MedGen C0009405, MeSH D003123.
Hereditary cancer-predisposing syndrome. Also called: Hereditary neoplastic syndrome; Hereditary Cancer Syndrome; Neoplastic Syndromes, Hereditary; Tumor predisposition. Identifiers: Orphanet 140162, MedGen C0027672, MeSH D009386, MONDO:0015356.
Lynch syndrome 4 (LYNCH4). Also called: Hereditary non-polyposis colorectal cancer, type 4; Colorectal cancer, hereditary nonpolyposis, type 4. Identifiers: Orphanet 144, MedGen C1838333, MONDO:0013699, OMIM 614337. Disease mechanism: loss of function.

Allele frequency attached by ClinVar (database versions not stated): gnomAD 0.00001 and 0.00002; TOPMed 0.00002.
gnomAD v4.1: 3 of 1,591,046 alleles (0.00019%); highest among the groups gnomAD compares: African/African-American, 0.0041%; no homozygotes.

Submissions (6):

PreventionGenetics, part of Exact Sciences
Classification: Uncertain significance for PMS2-related condition. Last evaluated: 2026-03-13. Review status: criteria provided, single submitter. Criteria: ACMG Guidelines, 2015. Collection method: clinical testing. Allele origin: germline.
Comment: The PMS2 c.2414A>G variant is predicted to result in the amino acid substitution p.Gln805Arg. This variant has been reported in the literature in an individual from a prostate cancer case control study, cancer status unknown (Supp. Table 2, Matejcic et al. 2020. PubMed ID: 32832836). This variant is absent in a large population database (gnomAD), indicating this variant is rare. This variant is interpreted as uncertain significance in ClinVar (Variation ID: 525796). At this time, the clinical significance of this variant is uncertain due to the absence of conclusive functional and genetic evidence.

Labcorp Genetics (formerly Invitae), Labcorp
Classification: Uncertain significance for Hereditary nonpolyposis colorectal neoplasms. Last evaluated: 2025-11-17. Review status: criteria provided, single submitter. Criteria: Invitae Variant Classification Sherloc (09022015). Collection method: clinical testing. Allele origin: germline.
Comment: This sequence change replaces glutamine, which is neutral and polar, with arginine, which is basic and polar, at codon 805 of the PMS2 protein (p.Gln805Arg). The frequency data for this variant in the population databases (gnomAD) is considered unreliable due to the presence of homologous sequence, such as pseudogenes or paralogs, in the genome. This variant has not been reported in the literature in individuals affected with PMS2-related conditions. ClinVar contains an entry for this variant (Variation ID: 525796). Invitae Evidence Modeling incorporating data from in vitro experimental studies (internal data) indicates that this missense variant is not expected to disrupt PMS2 function with a negative predictive value of 95%. In summary, the available evidence is currently insufficient to determine the role of this variant in disease. Therefore, it has been classified as a Variant of Uncertain Significance.

Ambry Genetics
Classification: Uncertain significance for Hereditary cancer-predisposing syndrome. Last evaluated: 2025-07-03. Review status: criteria provided, single submitter. Criteria: Ambry Variant Classification Scheme 2023. Collection method: clinical testing. Allele origin: germline.
Comment: The p.Q805R variant (also known as c.2414A>G), located in coding exon 14 of the PMS2 gene, results from an A to G substitution at nucleotide position 2414. The glutamine at codon 805 is replaced by arginine, an amino acid with highly similar properties. This variant was identified in a cohort of 3,579 African males diagnosed with prostate cancer who underwent multi-gene panel testing of 19 DNA repair and cancer predisposition genes (Matejcic M et al. JCO Precis Oncol, 2020 Jan;4:32-43). This amino acid position is highly conserved in available vertebrate species. In addition, this alteration is predicted to be deleterious by in silico analysis. Based on the available evidence, the clinical significance of this variant remains unclear.

GeneDx
Classification: Uncertain significance. Last evaluated: 2023-12-13. Review status: criteria provided, single submitter. Criteria: GeneDx Variant Classification Process June 2021. Collection method: clinical testing. Allele origin: germline. Affected: yes.
Comment: Observed in an individual with prostate cancer (PMID: 32832836); In silico analysis supports that this missense variant has a deleterious effect on protein structure/function; Not observed at significant frequency in large population cohorts (gnomAD); This variant is associated with the following publications: (PMID: Fukui2011[Chapter], 32832836)

Baylor Genetics
Classification: Uncertain significance for Lynch syndrome 4. Last evaluated: 2023-09-19. Review status: criteria provided, single submitter. Criteria: ACMG Guidelines, 2015. Collection method: clinical testing. Allele origin: unknown.

Quest Diagnostics Nichols Institute San Juan Capistrano
Classification: Uncertain significance. Last evaluated: 2019-08-20. Review status: criteria provided, single submitter. Criteria: Quest Diagnostics criteria. Collection method: clinical testing. Allele origin: germline.

Literature cited by the submitters: PubMed 32832836 (cited by Ambry Genetics).